The following is an entry in ClinVar:

ClinVar aggregate classification (germline): Uncertain significance (1 of 4 stars; one submission).

Allele frequency attached by ClinVar (database versions not stated): gnomAD exomes 0.00001; TOPMed 0.00001.

Submission:

Labcorp Genetics (formerly Invitae), Labcorp
Classification: Uncertain significance. Last evaluated: 2022-08-29. Review status: criteria provided, single submitter. Criteria: Invitae Variant Classification Sherloc (09022015). Collection method: clinical testing. Allele origin: germline.
Comment: This variant has not been reported in the literature in individuals affected with FOXI3-related conditions. Experimental studies and prediction algorithms are not available or were not evaluated, and the functional significance of this variant is currently unknown. In summary, the available evidence is currently insufficient to determine the role of this variant in disease. Therefore, it has been classified as a Variant of Uncertain Significance. This variant is not present in population databases (gnomAD no frequency). This sequence change replaces leucine, which is neutral and non-polar, with valine, which is neutral and non-polar, at codon 334 of the FOXI3 protein (p.Leu334Val).

NM_001135649.3(FOXI3):c.1000C>G (p.Leu334Val)

Gene: FOXI3 (forkhead box I3; minus strand). Cytogenetic location: 2p11.2.
Variant type: single nucleotide variant.
Coding change: c.1000C>G on transcript NM_001135649.3 (MANE Select); coding-DNA position 1000, C replaced by G.
Protein change: p.Leu334Val; replaces leucine 334 with valine.
Molecular consequence: missense variant.
Genome position (GRCh38, 1-based): chr2:88,448,470, G>C on the plus strand (C>G on the coding strand, the complement: FOXI3 is on the minus strand). VCF-style: chr2-88448470-G-C. GRCh37 (hg19) VCF-style: chr2-88747989-G-C.
Other names: short protein forms L334V.
Identifiers: ClinVar variation 1927780 (VCV001927780.5), dbSNP rs1319025712, ClinGen allele CA347764821.